The following is an entry in ClinVar:

NM_032638.5(GATA2):c.1084C>G (p.Arg362Gly)

Gene: GATA2 (GATA binding protein 2; minus strand). Cytogenetic location: 3q21.3.
Variant type: single nucleotide variant.
Coding change: c.1084C>G on transcript NM_032638.5 (MANE Select); coding-DNA position 1084, C replaced by G.
Protein change: p.Arg362Gly; replaces arginine 362 with glycine.
Molecular consequence: missense variant.
Genome position (GRCh38, 1-based): chr3:128,481,878, G>C on the plus strand (C>G on the coding strand, the complement: GATA2 is on the minus strand). VCF-style: chr3-128481878-G-C. GRCh37 (hg19) VCF-style: chr3-128200721-G-C.
Other names: c.1084C>G, p.Arg362Gly (NM_001145661.2); c.1042C>G, p.Arg348Gly (NM_001145662.1); short protein forms R348G, R362G.
Identifiers: ClinVar variation 3360407 (VCV003360407.1).
Genomic context (GRCh38, chr3:128,481,878, plus strand): 5'-CATTGTGCAGCTTGTAGTAGAGGCCACAGGCGTTGCAGACAGGGTCCCCGTTGGCGTTTC[G>C]GCGCCATAAGGTGGTGGTTGTCGTCTGACAATTTGCACAACAGGTGCCGGCTCTTCTGGC-3'
Protein context (NP_116027.2, residues 352-372): CQTTTTTLWR[Arg362Gly]NANGDPVCNA

ClinVar aggregate classification (germline): Uncertain significance (1 of 4 stars; one submission).

Submission:

GeneDx
Classification: Uncertain significance. Last evaluated: 2023-07-05. Review status: criteria provided, single submitter. Criteria: GeneDx Variant Classification Process June 2021. Collection method: clinical testing. Allele origin: germline. Affected: yes.
Comment: Not observed at significant frequency in large population cohorts (gnomAD); In silico analysis supports that this missense variant has a deleterious effect on protein structure/function; Published functional studies demonstrate a damaging effect: impaired tumor suppression suggesting a loss-of-function effect (Katerndahl et al., 2021); Observed in individuals with acute myeloid leukemia (Luesink et al., 2012; Tien et al., 2018); This variant is associated with the following publications: (PMID: 22786876, 30190467, 1714909, 28179282, 34125173)